The following is an entry in ClinVar:

ClinVar aggregate classification (germline): Conflicting classifications of pathogenicity. Review status: criteria provided, conflicting classifications (1 of 4 stars). 6 submissions from 6 submitters: Uncertain significance (5); Likely benign (1). Last evaluated 2025-03-31.

Conditions:
Breast-ovarian cancer, familial, susceptibility to, 2 (BROVCA2). Also called: BRCA2 Hereditary Breast and Ovarian Cancer. Identifiers: Orphanet 145, MedGen C2675520, MONDO:0012933, OMIM 612555. Disease mechanism: loss of function.
Hereditary breast ovarian cancer syndrome. Also called: Hereditary breast and ovarian cancer syndrome; Hereditary breast and ovarian cancer syndrome (HBOC); BRCA1- and BRCA2-Associated Hereditary Breast and Ovarian Cancer; Hereditary breast and ovarian cancer; Breast and ovarian cancer; Hereditary breast and/or ovarian cancer syndrome. Identifiers: Orphanet 145, MedGen C0677776, MeSH D061325, MONDO:0003582. Disease mechanism: loss of function.
Hereditary cancer-predisposing syndrome. Also called: Neoplastic Syndromes, Hereditary; Hereditary neoplastic syndrome; Tumor predisposition; Hereditary Cancer Syndrome. Identifiers: Orphanet 140162, MedGen C0027672, MeSH D009386, MONDO:0015356.

gnomAD v4.1: 1 of 1,605,918 alleles (0.000062%); highest among the groups gnomAD compares: Non-Finnish European, 0.000085%; no homozygotes.

Submissions (6):

Labcorp Genetics (formerly Invitae), Labcorp
Classification: Uncertain significance for Hereditary breast ovarian cancer syndrome. Last evaluated: 2025-03-31. Review status: criteria provided, single submitter. Criteria: Invitae Variant Classification Sherloc (09022015). Collection method: clinical testing. Allele origin: germline.
Comment: This sequence change replaces lysine, which is basic and polar, with arginine, which is basic and polar, at codon 607 of the BRCA2 protein (p.Lys607Arg). This variant is not present in population databases (gnomAD no frequency). This variant has not been reported in the literature in individuals affected with BRCA2-related conditions. ClinVar contains an entry for this variant (Variation ID: 531407). Invitae Evidence Modeling of protein sequence and biophysical properties (such as structural, functional, and spatial information, amino acid conservation, physicochemical variation, residue mobility, and thermodynamic stability) indicates that this missense variant is not expected to disrupt BRCA2 protein function with a negative predictive value of 95%. In summary, the available evidence is currently insufficient to determine the role of this variant in disease. Therefore, it has been classified as a Variant of Uncertain Significance.

Ambry Genetics
Classification: Uncertain significance for Hereditary cancer-predisposing syndrome. Last evaluated: 2024-11-12. Review status: criteria provided, single submitter. Criteria: Ambry Variant Classification Scheme 2023. Collection method: clinical testing. Allele origin: germline.
Comment: The p.K607R variant (also known as c.1820A>G), located in coding exon 9 of the BRCA2 gene, results from an A to G substitution at nucleotide position 1820. The lysine at codon 607 is replaced by arginine, an amino acid with highly similar properties. This amino acid position is not well conserved in available vertebrate species. In addition, this alteration is predicted to be tolerated by in silico analysis. Since supporting evidence is limited at this time, the clinical significance of this alteration remains unclear.

University of Washington Department of Laboratory Medicine, University of Washington
Classification: Likely benign for Hereditary cancer-predisposing syndrome. Last evaluated: 2023-03-23. Review status: criteria provided, single submitter. Criteria: Dines et al. (Genet Med. 2020). Collection method: curation. Allele origin: germline.
Comment: Missense variant in a coldspot region where missense variants are very unlikely to be pathogenic (PMID:31911673).

BRCA2 exon 10 coldspot. Reclassification based on statistical prior probability.

GeneDx
Classification: Uncertain significance. Last evaluated: 2023-01-18. Review status: criteria provided, single submitter. Criteria: GeneDx Variant Classification Process June 2021. Collection method: clinical testing. Allele origin: germline. Affected: yes.
Comment: Not observed at significant frequency in large population cohorts (gnomAD); In silico analysis supports that this missense variant does not alter protein structure/function; Has not been previously published as pathogenic or benign to our knowledge; Also known as 2048A>G; This variant is associated with the following publications: (PMID: 32377563, 29884841)

All of Us Research Program, National Institutes of Health
Classification: Uncertain significance for Breast-ovarian cancer, familial, susceptibility to, 2. Last evaluated: 2022-12-16. Review status: criteria provided, single submitter. Criteria: ACMG Guidelines, 2015. Collection method: clinical testing. Allele origin: germline. Inheritance: Autosomal dominant inheritance. Observed: 1 variant allele, 1 heterozygote.
Comment: This missense variant replaces lysine with arginine at codon 607 of the BRCA2 protein. Computational prediction suggests that this variant may not impact protein structure and function. To our knowledge, functional studies have not been reported for this variant. This variant has not been reported in individuals affected with BRCA2-related disorders in the literature. This variant has not been identified in the general population by the Genome Aggregation Database (gnomAD). The available evidence is insufficient to determine the role of this variant in disease conclusively. Therefore, this variant is classified as a Variant of Uncertain Significance.

This study involves interpretation of variants in research participants for the purpose of population health screening. Participant phenotype was not available at the time of variant classification. Additional details can be found in publication PMID: 35346344, PMCID: PMC8962531

Women's Health and Genetics/Laboratory Corporation of America, LabCorp
Classification: Uncertain significance. Last evaluated: 2022-02-07. Review status: criteria provided, single submitter. Criteria: LabCorp Variant Classification Summary - May 2015. Collection method: clinical testing. Allele origin: germline.

NM_000059.4(BRCA2):c.1820A>G (p.Lys607Arg)

Gene: BRCA2 (BRCA2 DNA repair associated; plus strand). Cytogenetic location: 13q13.1.
Variant type: single nucleotide variant.
Coding change: c.1820A>G on transcript NM_000059.4 (MANE Select); coding-DNA position 1820, A replaced by G.
Protein change: p.Lys607Arg; replaces lysine 607 with arginine.
Molecular consequence: missense variant.
Genome position (GRCh38, 1-based): chr13:32,333,298, A>G. VCF-style: chr13-32333298-A-G. GRCh37 (hg19) VCF-style: chr13-32907435-A-G.
Other names: short protein forms K607R.
Identifiers: ClinVar variation 531407 (VCV000531407.18), dbSNP rs55962656, ClinGen allele CA387766073.